The following is an entry in ClinVar:

NM_007294.4(BRCA1):c.5234A>G (p.Asn1745Ser)

Gene: BRCA1 (BRCA1 DNA repair associated; minus strand). Cytogenetic location: 17q21.31.
Variant type: single nucleotide variant.
Coding change: c.5234A>G on transcript NM_007294.4 (MANE Select); coding-DNA position 5234, A replaced by G.
Protein change: p.Asn1745Ser; replaces asparagine 1745 with serine.
Molecular consequence: missense variant. On other transcripts: non-coding transcript variant (1).
Genome position (GRCh38, 1-based): chr17:43,057,095, T>C on the plus strand (A>G on the coding strand, the complement: BRCA1 is on the minus strand). VCF-style: chr17-43057095-T-C. GRCh37 (hg19) VCF-style: chr17-41209112-T-C.
Other names: c.5021A>G, p.Asn1674Ser (NM_001407571.1, NM_001407900.1, NM_001407902.1 and 12 more transcripts); c.5300A>G, p.Asn1767Ser (NM_001407581.1, NM_001407582.1); c.5297A>G, p.Asn1766Ser (NM_001407583.1, NM_001407585.1, NM_001407587.1 and 1 more transcripts); c.5294A>G, p.Asn1765Ser (NM_001407590.1, NM_001407591.1); c.5234A>G, p.Asn1745Ser (NM_001407593.1, NM_001407594.1, NM_001407596.1 and 7 more transcripts); c.5231A>G, p.Asn1744Ser (NM_001407610.1, NM_001407611.1, NM_001407612.1 and 17 more transcripts); c.5228A>G, p.Asn1743Ser (NM_001407629.1, NM_001407630.1, NM_001407631.1 and 14 more transcripts); c.5174A>G, p.Asn1725Ser (NM_001407649.1); and 72 more; short protein forms N1745S, N1698S, N1766S, N641S, N1617S, N1673S, N1697S, N1717S.
Identifiers: ClinVar variation 560856 (VCV000560856.7), dbSNP rs1567764456, ClinGen allele CA10591073.

ClinVar aggregate classification (germline): Uncertain significance. Review status: criteria provided, multiple submitters, no conflicts (2 of 4 stars). 2 submissions from 2 submitters: Uncertain significance (2). Last evaluated 2024-06-19.

Conditions:
Hereditary breast ovarian cancer syndrome. Also called: Hereditary breast and ovarian cancer; Hereditary breast and ovarian cancer syndrome; Hereditary breast and ovarian cancer syndrome (HBOC); Breast and ovarian cancer; BRCA1- and BRCA2-Associated Hereditary Breast and Ovarian Cancer; Hereditary breast and/or ovarian cancer syndrome. Identifiers: Orphanet 145, MedGen C0677776, MeSH D061325, MONDO:0003582. Disease mechanism: loss of function.

Submissions (3):

Labcorp Genetics (formerly Invitae), Labcorp
Classification: Uncertain significance for Hereditary breast ovarian cancer syndrome. Last evaluated: 2024-06-19. Review status: criteria provided, single submitter. Criteria: Invitae Variant Classification Sherloc (09022015). Collection method: clinical testing. Allele origin: germline.
Comment: This sequence change replaces asparagine, which is neutral and polar, with serine, which is neutral and polar, at codon 1745 of the BRCA1 protein (p.Asn1745Ser). This variant is not present in population databases (gnomAD no frequency). This variant has not been reported in the literature in individuals affected with BRCA1-related conditions. ClinVar contains an entry for this variant (Variation ID: 560856). Advanced modeling performed at Invitae incorporating data from internal and/or published experimental studies (PMID: 30209399) indicates that this missense variant is not expected to disrupt BRCA1 function with a negative predictive value of 95%. In summary, the available evidence is currently insufficient to determine the role of this variant in disease. Therefore, it has been classified as a Variant of Uncertain Significance.

PreventionGenetics, part of Exact Sciences
Classification: Uncertain significance. Last evaluated: 2017-12-21. Review status: criteria provided, single submitter. Criteria: ACMG Guidelines, 2015. Collection method: clinical testing. Allele origin: germline.

Brotman Baty Institute, University of Washington
No classification provided (evidence only). Condition: Breast-ovarian cancer, familial 1. Review status: no classification provided. Collection method: in vitro. Allele origin: not applicable. Functional consequence: functionally_normal. Not counted in ClinVar's aggregate classification.
ClinVar note: "not provided" was previously submitted as the classification for the variant. However, the classification appeared to be based only on an observation of functional data so it was converted to no classification on 2025-07-30.

Literature cited by the submitters: PubMed 30209399 (cited by Labcorp Genetics (formerly Invitae), Labcorp).